The following is an entry in ClinVar:

NM_001005242.3(PKP2):c.1985T>C (p.Leu662Pro)

Gene: PKP2 (plakophilin 2; minus strand). Cytogenetic location: 12p11.21.
Variant type: single nucleotide variant.
Coding change: c.1985T>C on transcript NM_001005242.3 (MANE Select); coding-DNA position 1985, T replaced by C.
Protein change: p.Leu662Pro; replaces leucine 662 with proline.
Molecular consequence: missense variant.
Genome position (GRCh38, 1-based): chr12:32,821,384, A>G on the plus strand (T>C on the coding strand, the complement: PKP2 is on the minus strand). VCF-style: chr12-32821384-A-G. GRCh37 (hg19) VCF-style: chr12-32974318-A-G.
Other names: c.2117T>C, p.Leu706Pro (NM_004572.4); short protein forms L706P, L662P.
Identifiers: ClinVar variation 239955 (VCV000239955.11), dbSNP rs878854709, ClinGen allele CA10583045.

ClinVar aggregate classification (germline): Uncertain significance. Review status: criteria provided, multiple submitters, no conflicts (2 of 4 stars). 3 submissions from 3 submitters: Uncertain significance (3). Last evaluated 2023-07-05.

Conditions:
Arrhythmogenic right ventricular dysplasia 9 (ARVD9). Also called: Arrhythmogenic Right Ventricular Dysplasia/Cardiomyopathy 9; ARRHYTHMOGENIC RIGHT VENTRICULAR DYSPLASIA, FAMILIAL, 9. Identifiers: MedGen C1836906, MONDO:0012180, OMIM 609040.

Allele frequency attached by ClinVar (database versions not stated): gnomAD 0.00001.
gnomAD v4.1: 1 of 1,614,066 alleles (0.000062%); highest among the groups gnomAD compares: Non-Finnish European, 0.000085%; no homozygotes.

Submissions (3):

Women's Health and Genetics/Laboratory Corporation of America, LabCorp
Classification: Uncertain significance. Last evaluated: 2023-07-05. Review status: criteria provided, single submitter. Criteria: LabCorp Variant Classification Summary - May 2015. Collection method: clinical testing. Allele origin: germline.
Comment: Variant summary: PKP2 c.2117T>C (p.Leu706Pro) results in a non-conservative amino acid change in the encoded protein sequence. Five of five in-silico tools predict a damaging effect of the variant on protein function. The variant was absent in 251424 control chromosomes (gnomAD). The available data on variant occurrences in the general population are insufficient to allow any conclusion about variant significance. c.2117T>C has been reported in the literature in an individual reportedly had a diagnosis for Arrhythmogenic Right Ventricular Dysplasia/Cardiomyopathy (example: Dries_2021). These report(s) do not provide unequivocal conclusions about association of the variant with Arrhythmogenic Right Ventricular Dysplasia/Cardiomyopathy. To our knowledge, no experimental evidence demonstrating an impact on protein function has been reported. The following publication has been ascertained in the context of this evaluation (PMID: 34120153). Two submitters have cited clinical-significance assessments for this variant to ClinVar after 2014. All submitters classified the variant as uncertain significance. Based on the evidence outlined above, the variant was classified as uncertain significance.

Labcorp Genetics (formerly Invitae), Labcorp
Classification: Uncertain significance for Arrhythmogenic right ventricular dysplasia 9. Last evaluated: 2023-06-05. Review status: criteria provided, single submitter. Criteria: Invitae Variant Classification Sherloc (09022015). Collection method: clinical testing. Allele origin: germline.
Comment: This sequence change replaces leucine, which is neutral and non-polar, with proline, which is neutral and non-polar, at codon 706 of the PKP2 protein (p.Leu706Pro). This variant is present in population databases (no rsID available, gnomAD 0.007%). This variant has not been reported in the literature in individuals affected with PKP2-related conditions. ClinVar contains an entry for this variant (Variation ID: 239955). An algorithm developed to predict the effect of missense changes on protein structure and function (PolyPhen-2) suggests that this variant is likely to be disruptive. In summary, the available evidence is currently insufficient to determine the role of this variant in disease. Therefore, it has been classified as a Variant of Uncertain Significance.

GeneDx
Classification: Uncertain significance. Last evaluated: 2019-04-30. Review status: criteria provided, single submitter. Criteria: GeneDx Variant Classification Process June 2021. Collection method: clinical testing. Allele origin: germline. Affected: yes.
Comment: Has not been previously published as pathogenic or benign to our knowledge; Reported in ClinVar as a variant of uncertain significance but additional evidence is not available (ClinVar Variant ID# 239955; Landrum et al., 2016); Not observed at a significant frequency in large population cohorts (Lek et al., 2016); In silico analysis, which includes protein predictors and evolutionary conservation, supports a deleterious effect

Literature cited by the submitters: PubMed 34120153 (cited by Women's Health and Genetics/Laboratory Corporation of America, LabCorp).